The following is an entry in ClinVar:

NM_000069.3(CACNA1S):c.5537T>C (p.Leu1846Pro)

Gene: CACNA1S (calcium voltage-gated channel subunit alpha1 S; minus strand). Cytogenetic location: 1q32.1.
Variant type: single nucleotide variant.
Coding change: c.5537T>C on transcript NM_000069.3 (MANE Select); coding-DNA position 5537, T replaced by C.
Protein change: p.Leu1846Pro; replaces leucine 1846 with proline.
Molecular consequence: missense variant.
Genome position (GRCh38, 1-based): chr1:201,039,916, A>G on the plus strand (T>C on the coding strand, the complement: CACNA1S is on the minus strand). VCF-style: chr1-201039916-A-G. GRCh37 (hg19) VCF-style: chr1-201009044-A-G.
Other names: short protein forms L1846P.
Identifiers: ClinVar variation 4789167 (VCV004789167.1).

ClinVar aggregate classification (germline): Uncertain significance (1 of 4 stars; one submission).

Conditions:
Malignant hyperthermia, susceptibility to, 5 (MHS5). Also called: CACNA1S-Related Malignant Hyperthermia Susceptibility. Identifiers: Orphanet 423, MedGen C1866077, MONDO:0011163, OMIM 601887.
Hypokalemic periodic paralysis, type 1. Also called: HypoPP; Hypokalemic Periodic Paralysis Type 1 (AD). Identifiers: Orphanet 681, MedGen C3714580, MONDO:0042979, OMIM 170400.

gnomAD v4.1: 1 of 1,613,998 alleles (0.000062%); highest among the groups gnomAD compares: Non-Finnish European, 0.000085%; no homozygotes.

Submission:

Labcorp Genetics (formerly Invitae), Labcorp
Classification: Uncertain significance for Hypokalemic periodic paralysis, type 1; Malignant hyperthermia, susceptibility to, 5. Last evaluated: 2025-05-26. Review status: criteria provided, single submitter. Criteria: Invitae Variant Classification Sherloc (09022015). Collection method: clinical testing. Allele origin: germline.
Comment: This sequence change replaces leucine, which is neutral and non-polar, with proline, which is neutral and non-polar, at codon 1846 of the CACNA1S protein (p.Leu1846Pro). This variant is not present in population databases (gnomAD no frequency). This variant has not been reported in the literature in individuals affected with CACNA1S-related conditions. Invitae Evidence Modeling of protein sequence and biophysical properties (such as structural, functional, and spatial information, amino acid conservation, physicochemical variation, residue mobility, and thermodynamic stability) indicates that this missense variant is not expected to disrupt CACNA1S protein function with a negative predictive value of 95%. In summary, the available evidence is currently insufficient to determine the role of this variant in disease. Therefore, it has been classified as a Variant of Uncertain Significance.